The following is an entry in ClinVar:

ClinVar aggregate classification (germline): Uncertain significance (1 of 4 stars; one submission).

Submission:

Ambry Genetics
Classification: Uncertain significance. Last evaluated: 2022-04-26. Review status: criteria provided, single submitter. Criteria: Ambry Variant Classification Scheme 2023. Collection method: clinical testing. Allele origin: germline.
Comment: The p.K115E variant (also known as c.343A>G), located in coding exon 1 of the EGLN1 gene, results from an A to G substitution at nucleotide position 343. The lysine at codon 115 is replaced by glutamic acid, an amino acid with similar properties. This amino acid position is conserved. In addition, this alteration is predicted to be tolerated by in silico analysis. Since supporting evidence is limited at this time, the clinical significance of this alteration remains unclear.

NM_022051.3(EGLN1):c.343A>G (p.Lys115Glu)

Gene: EGLN1 (egl-9 family hypoxia inducible factor 1; minus strand). Cytogenetic location: 1q42.2.
Variant type: single nucleotide variant.
Coding change: c.343A>G on transcript NM_022051.3 (MANE Select); coding-DNA position 343, A replaced by G.
Protein change: p.Lys115Glu; replaces lysine 115 with glutamic acid.
Molecular consequence: missense variant.
Genome position (GRCh38, 1-based): chr1:231,421,546, T>C on the plus strand (A>G on the coding strand, the complement: EGLN1 is on the minus strand). VCF-style: chr1-231421546-T-C. GRCh37 (hg19) VCF-style: chr1-231557292-T-C.
Other names: c.343A>G, p.Lys115Glu (NM_001377260.1, NM_001377261.1); short protein forms K115E.
Identifiers: ClinVar variation 1731441 (VCV001731441.2), dbSNP rs2527360631, ClinGen allele CA345237569.